The following is an entry in ClinVar:

ClinVar aggregate classification (germline): Uncertain significance (1 of 4 stars; one submission).

Conditions:
Hermansky-Pudlak syndrome 2 (HPS2). Also called: Platelet defects and oculocutaneous albinism. Identifiers: Orphanet 183678, Orphanet 79430, MedGen C1842362, MONDO:0011997, OMIM 608233.

gnomAD v4.1: 13 of 1,570,402 alleles (0.00083%); highest among the groups gnomAD compares: Admixed American, 0.0017%; no homozygotes.

Submission:

Labcorp Genetics (formerly Invitae), Labcorp
Classification: Uncertain significance for Hermansky-Pudlak syndrome 2. Last evaluated: 2024-07-19. Review status: criteria provided, single submitter. Criteria: Invitae Variant Classification Sherloc (09022015). Collection method: clinical testing. Allele origin: germline.
Comment: This sequence change replaces proline, which is neutral and non-polar, with serine, which is neutral and polar, at codon 182 of the AP3B1 protein (p.Pro182Ser). This variant is present in population databases (rs767748684, gnomAD 0.002%). This variant has not been reported in the literature in individuals affected with AP3B1-related conditions. An algorithm developed to predict the effect of missense changes on protein structure and function (PolyPhen-2) suggests that this variant is likely to be tolerated. In summary, the available evidence is currently insufficient to determine the role of this variant in disease. Therefore, it has been classified as a Variant of Uncertain Significance.

NM_003664.5(AP3B1):c.544C>T (p.Pro182Ser)

Gene: AP3B1 (adaptor related protein complex 3 subunit beta 1; minus strand). Cytogenetic location: 5q14.1.
Variant type: single nucleotide variant.
Coding change: c.544C>T on transcript NM_003664.5 (MANE Select); coding-DNA position 544, C replaced by T.
Protein change: p.Pro182Ser; replaces proline 182 with serine.
Molecular consequence: missense variant.
Genome position (GRCh38, 1-based): chr5:78,225,601, G>A on the plus strand (C>T on the coding strand, the complement: AP3B1 is on the minus strand). VCF-style: chr5-78225601-G-A. GRCh37 (hg19) VCF-style: chr5-77521425-G-A.
Other names: c.397C>T, p.Pro133Ser (NM_001271769.2); c.544C>T, p.Pro182Ser (NM_001410752.1); short protein forms P133S, P182S.
Identifiers: ClinVar variation 3679742 (VCV003679742.2).